The following is an entry in ClinVar:

NM_003239.5(TGFB3):c.343G>A (p.Ala115Thr)

Gene: TGFB3 (transforming growth factor beta 3; minus strand). Cytogenetic location: 14q24.3.
Variant type: single nucleotide variant.
Coding change: c.343G>A on transcript NM_003239.5 (MANE Select); coding-DNA position 343, G replaced by A.
Protein change: p.Ala115Thr; replaces alanine 115 with threonine.
Molecular consequence: missense variant.
Genome position (GRCh38, 1-based): chr14:75,980,551, C>T on the plus strand (G>A on the coding strand, the complement: TGFB3 is on the minus strand). VCF-style: chr14-75980551-C-T. GRCh37 (hg19) VCF-style: chr14-76446894-C-T.
Other names: c.343G>A, p.Ala115Thr (NM_001329938.2, NM_001329939.2); short protein forms A115T.
Identifiers: ClinVar variation 3615888 (VCV003615888.3).

ClinVar aggregate classification (germline): Uncertain significance. Review status: criteria provided, multiple submitters, no conflicts (2 of 4 stars). 2 submissions from 2 submitters: Uncertain significance (2). Last evaluated 2025-06-09.

Conditions:
Familial thoracic aortic aneurysm and aortic dissection (TAAD). Also called: Thoracic aortic aneurysms and dissections. Identifiers: Orphanet 91387, MedGen C4707243, MONDO:0019625.
Rienhoff syndrome. Also called: LOEYS-DIETZ SYNDROME 5. Identifiers: MedGen C3810012, MONDO:0014262, OMIM 615582.

gnomAD v4.1: 7 of 1,614,118 alleles (0.00043%); highest among the groups gnomAD compares: African/African-American, 0.008%; no homozygotes.

Submissions (2):

Ambry Genetics
Classification: Uncertain significance for Familial thoracic aortic aneurysm and aortic dissection. Last evaluated: 2025-06-09. Review status: criteria provided, single submitter. Criteria: Ambry Variant Classification Scheme 2023. Collection method: clinical testing. Allele origin: germline.
Comment: The p.A115T variant (also known as c.343G>A), located in coding exon 1 of the TGFB3 gene, results from a G to A substitution at nucleotide position 343. The alanine at codon 115 is replaced by threonine, an amino acid with similar properties. This amino acid position is conserved. In addition, this alteration is predicted to be tolerated by in silico analysis. Based on the available evidence, the clinical significance of this variant remains unclear.

Labcorp Genetics (formerly Invitae), Labcorp
Classification: Uncertain significance for Rienhoff syndrome. Last evaluated: 2024-11-08. Review status: criteria provided, single submitter. Criteria: Invitae Variant Classification Sherloc (09022015). Collection method: clinical testing. Allele origin: germline.
Comment: This sequence change replaces alanine, which is neutral and non-polar, with threonine, which is neutral and polar, at codon 115 of the TGFB3 protein (p.Ala115Thr). This variant is not present in population databases (gnomAD no frequency). This variant has not been reported in the literature in individuals affected with TGFB3-related conditions. Invitae Evidence Modeling of protein sequence and biophysical properties (such as structural, functional, and spatial information, amino acid conservation, physicochemical variation, residue mobility, and thermodynamic stability) indicates that this missense variant is not expected to disrupt TGFB3 protein function with a negative predictive value of 80%. In summary, the available evidence is currently insufficient to determine the role of this variant in disease. Therefore, it has been classified as a Variant of Uncertain Significance.